The following is an entry in ClinVar:

NM_001083614.2(EARS2):c.500G>A (p.Cys167Tyr)

Gene: EARS2 (glutamyl-tRNA synthetase 2, mitochondrial; minus strand). Cytogenetic location: 16p12.2.
Variant type: single nucleotide variant.
Coding change: c.500G>A on transcript NM_001083614.2 (MANE Select); coding-DNA position 500, G replaced by A.
Protein change: p.Cys167Tyr; replaces cysteine 167 with tyrosine.
Molecular consequence: missense variant. On other transcripts: non-coding transcript variant (1).
Genome position (GRCh38, 1-based): chr16:23,535,346, C>T on the plus strand (G>A on the coding strand, the complement: EARS2 is on the minus strand). VCF-style: chr16-23535346-C-T. GRCh37 (hg19) VCF-style: chr16-23546667-C-T.
Other names: c.500G>A, p.Cys167Tyr (NM_001308211.1); short protein forms C167Y.
Identifiers: ClinVar variation 39792 (VCV000039792.9), dbSNP rs397514594, ClinGen allele CA130562.

ClinVar aggregate classification (germline): Pathogenic/Likely pathogenic. Review status: criteria provided, multiple submitters, no conflicts (2 of 4 stars). 3 submissions from 3 submitters: Pathogenic (1); Likely pathogenic (1). 1 of the submissions does not count toward it. Last evaluated 2025-03-18.

Conditions:
Leukoencephalopathy-thalamus and brainstem anomalies-high lactate syndrome. Also called: LEUKOENCEPHALOPATHY WITH THALAMUS AND BRAINSTEM INVOLVEMENT AND HIGH LACTATE; Combined oxidative phosphorylation deficiency 12. Identifiers: Orphanet 314051, MedGen C4706421, MONDO:0013971, OMIM 614924.

Allele frequency attached by ClinVar (database versions not stated): gnomAD 0.00001; gnomAD exomes 0.00004 and 0.00005; TOPMed 0.00004.
gnomAD v4.1: 69 of 1,598,866 alleles (0.0043%); highest among the groups gnomAD compares: Non-Finnish European, 0.0058%; no homozygotes.

Submissions (3):

GeneDx
Classification: Likely pathogenic. Last evaluated: 2025-03-18. Review status: criteria provided, single submitter. Criteria: GeneDx Variant Classification Process June 2021. Collection method: clinical testing. Allele origin: germline. Affected: yes.
Comment: Not observed at significant frequency in large population cohorts (gnomAD); In silico analysis supports that this missense variant has a deleterious effect on protein structure/function; This variant is associated with the following publications: (PMID: 31658717, 25476837, 33962821, 35772644, 39173847, 22492562)

Labcorp Genetics (formerly Invitae), Labcorp
Classification: Pathogenic. Last evaluated: 2024-02-16. Review status: criteria provided, single submitter. Criteria: Invitae Variant Classification Sherloc (09022015). Collection method: clinical testing. Allele origin: germline.
Comment: This sequence change replaces cysteine, which is neutral and slightly polar, with tyrosine, which is neutral and polar, at codon 167 of the EARS2 protein (p.Cys167Tyr). This variant is present in population databases (rs397514594, gnomAD 0.008%). This missense change has been observed in individuals with leukoencephalopathy with thalamus and brainstem involvement and high lactate (PMID: 22492562). It has also been observed to segregate with disease in related individuals. ClinVar contains an entry for this variant (Variation ID: 39792). Advanced modeling of protein sequence and biophysical properties (such as structural, functional, and spatial information, amino acid conservation, physicochemical variation, residue mobility, and thermodynamic stability) has been performed at Invitae for this missense variant, however the output from this modeling did not meet the statistical confidence thresholds required to predict the impact of this variant on EARS2 protein function. For these reasons, this variant has been classified as Pathogenic.

OMIM
Classification: Pathogenic for COMBINED OXIDATIVE PHOSPHORYLATION DEFICIENCY 12. Last evaluated: 2012-05-01. Review status: no assertion criteria provided. Collection method: literature only. Allele origin: germline. Not counted in ClinVar's aggregate classification.

Literature cited by the submitters: PubMed 22492562 (cited by Labcorp Genetics (formerly Invitae), Labcorp and OMIM).